The following is an entry in ClinVar:

NM_001375524.1(TRRAP):c.6634A>G (p.Asn2212Asp)

Gene: TRRAP (transformation/transcription domain associated protein; plus strand). Cytogenetic location: 7q22.1.
Variant type: single nucleotide variant.
Coding change: c.6634A>G on transcript NM_001375524.1 (MANE Select); coding-DNA position 6634, A replaced by G.
Protein change: p.Asn2212Asp; replaces asparagine 2212 with aspartic acid.
Molecular consequence: missense variant.
Genome position (GRCh38, 1-based): chr7:98,961,405, A>G. VCF-style: chr7-98961405-A-G. GRCh37 (hg19) VCF-style: chr7-98559028-A-G.
Other names: c.6613A>G, p.Asn2205Asp (NM_001244580.2); c.6559A>G, p.Asn2187Asp (NM_003496.4); short protein forms N2187D, N2205D, N2212D.
Identifiers: ClinVar variation 3618743 (VCV003618743.2).

ClinVar aggregate classification (germline): Uncertain significance (1 of 4 stars; one submission).

gnomAD v4.1: 1 of 1,614,180 alleles (0.000062%); highest among the groups gnomAD compares: Middle Eastern, 0.016%; no homozygotes.

Submission:

Labcorp Genetics (formerly Invitae), Labcorp
Classification: Uncertain significance. Last evaluated: 2025-01-13. Review status: criteria provided, single submitter. Criteria: Invitae Variant Classification Sherloc (09022015). Collection method: clinical testing. Allele origin: germline.
Comment: This sequence change replaces asparagine, which is neutral and polar, with aspartic acid, which is acidic and polar, at codon 2187 of the TRRAP protein (p.Asn2187Asp). This variant is not present in population databases (gnomAD no frequency). This variant has not been reported in the literature in individuals affected with TRRAP-related conditions. Invitae Evidence Modeling of protein sequence and biophysical properties (such as structural, functional, and spatial information, amino acid conservation, physicochemical variation, residue mobility, and thermodynamic stability) indicates that this missense variant is not expected to disrupt TRRAP protein function with a negative predictive value of 80%. In summary, the available evidence is currently insufficient to determine the role of this variant in disease. Therefore, it has been classified as a Variant of Uncertain Significance.